The following is an entry in ClinVar:

NM_016203.4(PRKAG2):c.1437+6T>C

Gene: PRKAG2 (protein kinase AMP-activated non-catalytic subunit gamma 2; minus strand). Cytogenetic location: 7q36.1.
Variant type: single nucleotide variant.
Coding change: c.1437+6T>C on transcript NM_016203.4 (MANE Select); 6 bases into the intron after coding-DNA position 1437, T replaced by C.
Molecular consequence: intron variant.
Genome position (GRCh38, 1-based): chr7:151,565,340, A>G on the plus strand (T>C on the coding strand, the complement: PRKAG2 is on the minus strand). VCF-style: chr7-151565340-A-G. GRCh37 (hg19) VCF-style: chr7-151262426-A-G.
Other names: c.774+6T>C (NM_001407037.1); c.762+6T>C (NM_001407038.1); c.1062+6T>C (NM_001304527.2, NM_001407029.1); c.711+6T>C (NM_001407040.1, NM_001407039.1, NM_001407036.1); c.714+6T>C (NM_001407035.1, NM_001304531.2, NM_001407034.1 and 1 more transcripts); c.1065+6T>C (NM_001363698.2, NM_001407028.1); c.1146+6T>C (NM_001407031.1); c.1149+6T>C (NM_001407030.1); and 6 more.
Identifiers: ClinVar variation 2697890 (VCV002697890.3), dbSNP rs2536289664, ClinGen allele CA2697549706.
Genomic context (GRCh38, chr7:151,565,340, plus strand): 5'-AAACACATTACATGAATGTTTAAAATGCATTCTAGGTGACAGATTGAACAAAATTAAAAT[A>G]CTTACAATTACATCAAATTTGGAATAAATATCTACAACTTTTCCTAAAAATGAAAAATAT-3'

ClinVar aggregate classification (germline): Uncertain significance (1 of 4 stars; one submission).

Conditions:
Lethal congenital glycogen storage disease of heart. Also called: PHOSPHORYLASE KINASE DEFICIENCY OF HEART; GLYCOGEN STORAGE DISEASE OF HEART. Identifiers: Orphanet 439854, MedGen C1849813, MONDO:0009867, OMIM 261740.

Submission:

Labcorp Genetics (formerly Invitae), Labcorp
Classification: Uncertain significance for Lethal congenital glycogen storage disease of heart. Last evaluated: 2023-11-28. Review status: criteria provided, single submitter. Criteria: Invitae Variant Classification Sherloc (09022015). Collection method: clinical testing. Allele origin: germline.
Comment: This sequence change falls in intron 13 of the PRKAG2 gene. It does not directly change the encoded amino acid sequence of the PRKAG2 protein. It affects a nucleotide within the consensus splice site. This variant is not present in population databases (gnomAD no frequency). This variant has not been reported in the literature in individuals affected with PRKAG2-related conditions. Variants that disrupt the consensus splice site are a relatively common cause of aberrant splicing (PMID: 17576681, 9536098). Algorithms developed to predict the effect of sequence changes on RNA splicing suggest that this variant may disrupt the consensus splice site. In summary, the available evidence is currently insufficient to determine the role of this variant in disease. Therefore, it has been classified as a Variant of Uncertain Significance.

Literature cited by the submitters: PubMed 17576681; PubMed 9536098.